The following is an entry in ClinVar:

ClinVar aggregate classification (germline): Uncertain significance. Review status: criteria provided, multiple submitters, no conflicts (2 of 4 stars). 2 submissions from 2 submitters: Uncertain significance (2). Last evaluated 2026-01-18.

Conditions:
Floating-Harbor syndrome (FLHS). Also called: Short stature with delayed bone age, expressive language delay, a triangular face with a prominent nose and deep-set eyes; Pelletier-Leisti syndrome; SRCAP-Related Floating-Harbor Syndrome. Identifiers: Orphanet 2044, MedGen C0729582, MONDO:0007621, OMIM 136140.
Developmental delay, hypotonia, musculoskeletal defects, and behavioral abnormalities. Identifiers: MedGen C5562012, MONDO:0859202, OMIM 619595.

Allele frequency attached by ClinVar (database versions not stated): gnomAD exomes 0.00002; gnomAD 0.00007 and 0.00008; TOPMed 0.00009.
gnomAD v4.1: 37 of 1,613,668 alleles (0.0023%); highest among the groups gnomAD compares: African/African-American, 0.012%; no homozygotes.

Submissions (2):

Labcorp Genetics (formerly Invitae), Labcorp
Classification: Uncertain significance. Last evaluated: 2026-01-18. Review status: criteria provided, single submitter. Criteria: Invitae Variant Classification Sherloc (09022015). Collection method: clinical testing. Allele origin: germline.
Comment: This sequence change replaces alanine, which is neutral and non-polar, with threonine, which is neutral and polar, at codon 1802 of the SRCAP protein (p.Ala1802Thr). This variant is present in population databases (no rsID available, gnomAD 0.008%). This variant has not been reported in the literature in individuals affected with SRCAP-related conditions. ClinVar contains an entry for this variant (Variation ID: 1463939). Invitae Evidence Modeling of protein sequence and biophysical properties (such as structural, functional, and spatial information, amino acid conservation, physicochemical variation, residue mobility, and thermodynamic stability) indicates that this missense variant is not expected to disrupt SRCAP protein function with a negative predictive value of 80%. In summary, the available evidence is currently insufficient to determine the role of this variant in disease. Therefore, it has been classified as a Variant of Uncertain Significance.

Fulgent Genetics
Classification: Uncertain significance for Floating-Harbor syndrome; Developmental delay, hypotonia, musculoskeletal defects, and behavioral abnormalities. Last evaluated: 2021-09-30. Review status: criteria provided, single submitter. Criteria: ACMG Guidelines, 2015. Collection method: clinical testing. Allele origin: unknown.

NM_006662.3(SRCAP):c.5404G>A (p.Ala1802Thr)

Gene: SRCAP (Snf2 related CREBBP activator protein; plus strand). Cytogenetic location: 16p11.2.
Variant type: single nucleotide variant.
Coding change: c.5404G>A on transcript NM_006662.3 (MANE Select); coding-DNA position 5404, G replaced by A.
Protein change: p.Ala1802Thr; replaces alanine 1802 with threonine.
Molecular consequence: missense variant.
Genome position (GRCh38, 1-based): chr16:30,724,828, G>A. VCF-style: chr16-30724828-G-A. GRCh37 (hg19) VCF-style: chr16-30736149-G-A.
Other names: short protein forms A1802T.
Identifiers: ClinVar variation 1463939 (VCV001463939.9), dbSNP rs978664247, ClinGen allele CA280513819.